The following is an entry in ClinVar:

ClinVar aggregate classification (germline): Uncertain significance (1 of 4 stars; one submission).

Conditions:
Pulmonary hypertension, primary, 4. Identifiers: Orphanet 422, MedGen C3809198, MONDO:0014136, OMIM 615344.

Submission:

Labcorp Genetics (formerly Invitae), Labcorp
Classification: Uncertain significance for Pulmonary hypertension, primary, 4. Last evaluated: 2025-08-25. Review status: criteria provided, single submitter. Criteria: Invitae Variant Classification Sherloc (09022015). Collection method: clinical testing. Allele origin: germline.
Comment: This variant, c.848_853dup, results in the insertion of 2 amino acid(s) of the KCNK3 protein (p.Asp283_Thr284dup), but otherwise preserves the integrity of the reading frame. This variant is not present in population databases (gnomAD no frequency). This variant has not been reported in the literature in individuals affected with KCNK3-related conditions. In summary, the available evidence is currently insufficient to determine the role of this variant in disease. Therefore, it has been classified as a Variant of Uncertain Significance.

NM_002246.3(KCNK3):c.848_853dup (p.Thr284_Ala285insAspThr)

Gene: KCNK3 (potassium two pore domain channel subfamily K member 3; plus strand). Cytogenetic location: 2p23.3.
Variant type: Duplication.
Coding change: c.848_853dup on transcript NM_002246.3 (MANE Select); coding-DNA positions 848 to 853, 6 bases duplicated (ACACCG; older notation c.848_853dupACACCG).
Protein change: p.Thr284_Ala285insAspThr.
Molecular consequence: inframe insertion.
Genome position (GRCh38, 1-based): chr2:26,728,231-26,728,236, ACACCG duplicated; duplicating any 6 consecutive bases within chr2:26,728,230-26,728,236 gives the same sequence; the c. name uses the placement nearest the transcript's 3' end. VCF-style (leftmost placement, unchanged base first): chr2-26728229-G-GGACACC. GRCh37 (hg19) VCF-style: chr2-26951097-G-GGACACC.
Identifiers: ClinVar variation 4725276 (VCV004725276.1).